The following is an entry in ClinVar:

ClinVar aggregate classification (germline): Uncertain significance (1 of 4 stars; one submission).

Conditions:
Hereditary pancreatitis (PCTT). Also called: Hereditary chronic pancreatitis; PRSS1-Related Hereditary Pancreatitis. Identifiers: Orphanet 676, MedGen C0238339, MONDO:0008185, OMIM 167800.

Submission:

Ambry Genetics
Classification: Uncertain significance for Hereditary pancreatitis. Last evaluated: 2024-04-28. Review status: criteria provided, single submitter. Criteria: Ambry Variant Classification Scheme 2023. Collection method: clinical testing. Allele origin: germline.
Comment: The p.N67S variant (also known as c.200A>G), located in coding exon 3 of the CTRC gene, results from an A to G substitution at nucleotide position 200. The asparagine at codon 67 is replaced by serine, an amino acid with highly similar properties. This amino acid position is conserved. In addition, this alteration is predicted to be tolerated by in silico analysis. Based on the available evidence, the clinical significance of this variant remains unclear.

NM_007272.3(CTRC):c.200A>G (p.Asn67Ser)

Gene: CTRC (chymotrypsin C; plus strand). Cytogenetic location: 1p36.21.
Variant type: single nucleotide variant.
Coding change: c.200A>G on transcript NM_007272.3 (MANE Select); coding-DNA position 200, A replaced by G.
Protein change: p.Asn67Ser; replaces asparagine 67 with serine.
Molecular consequence: missense variant.
Genome position (GRCh38, 1-based): chr1:15,440,560, A>G. VCF-style: chr1-15440560-A-G. GRCh37 (hg19) VCF-style: chr1-15767056-A-G.
Other names: short protein forms N67S.
Identifiers: ClinVar variation 3270189 (VCV003270189.1).
Genomic context (GRCh38, chr1:15,440,560, plus strand): 5'-TCCAGTACCTCAAGAACGACACGTGGAGGCATACGTGTGGCGGGACTTTGATTGCTAGCA[A>G]CTTCGTCCTCACTGCCGCCCACTGCATCAGGTGTGCGGGGATGATACCCTGAGACCTGGC-3'
Protein context (NP_009203.2, residues 57-77): HTCGGTLIAS[Asn67Ser]FVLTAAHCIS